The following is an entry in ClinVar:

NM_000093.5(COL5A1):c.2983C>T (p.Pro995Ser)

Gene: COL5A1 (collagen type V alpha 1 chain; plus strand). Cytogenetic location: 9q34.3.
Variant type: single nucleotide variant.
Coding change: c.2983C>T on transcript NM_000093.5 (MANE Select); coding-DNA position 2983, C replaced by T.
Protein change: p.Pro995Ser; replaces proline 995 with serine.
Molecular consequence: missense variant.
Genome position (GRCh38, 1-based): chr9:134,801,984, C>T. VCF-style: chr9-134801984-C-T. GRCh37 (hg19) VCF-style: chr9-137693830-C-T.
Other names: c.2983C>T, p.Pro995Ser (NM_001278074.1); short protein forms P995S.
Identifiers: ClinVar variation 1516693 (VCV001516693.17), dbSNP rs187022757, ClinGen allele CA5319706.

ClinVar aggregate classification (germline): Conflicting classifications of pathogenicity. Review status: criteria provided, conflicting classifications (1 of 4 stars). 5 submissions from 5 submitters: Uncertain significance (4); Benign (1). Last evaluated 2026-08-04.

Conditions:
Ehlers-Danlos syndrome, classic type, 1 (EDSCL1). Also called: EDS I; EHLERS-DANLOS SYNDROME, GRAVIS TYPE; EHLERS-DANLOS SYNDROME, SEVERE CLASSIC TYPE; Ehlers-Danlos Syndrome, Classic Type, COL5A1-Related; Ehlers-Danlos syndrome, type 1. Identifiers: MedGen C0268335, MONDO:0019567, OMIM 130000.
Familial thoracic aortic aneurysm and aortic dissection (TAAD). Also called: Thoracic aortic aneurysms and dissections. Identifiers: Orphanet 91387, MedGen C4707243, MONDO:0019625.

Allele frequency attached by ClinVar (database versions not stated): ESP Exome Variant Server 0.00015; 1000 Genomes Project 30x 0.00016.

Submissions (5):

Ambry Genetics
Classification: Uncertain significance for Familial thoracic aortic aneurysm and aortic dissection. Last evaluated: 2026-08-04. Review status: criteria provided, single submitter. Criteria: Ambry Variant Classification Scheme 2023. Collection method: clinical testing. Allele origin: germline.

Labcorp Genetics (formerly Invitae), Labcorp
Classification: Benign for Ehlers-Danlos syndrome, classic type, 1. Last evaluated: 2025-10-21. Review status: criteria provided, single submitter. Criteria: Invitae Variant Classification Sherloc (09022015). Collection method: clinical testing. Allele origin: germline.

Blueprint Genetics
Classification: Uncertain significance. Last evaluated: 2024-11-12. Review status: criteria provided, single submitter. Criteria: ACMG Guidelines, 2015. Collection method: clinical testing. Allele origin: germline.

GeneDx
Classification: Uncertain significance. Last evaluated: 2022-12-22. Review status: criteria provided, single submitter. Criteria: GeneDx Variant Classification Process June 2021. Collection method: clinical testing. Allele origin: germline. Affected: yes.
Comment: Not observed at significant frequency in large population cohorts (gnomAD); In silico analysis supports that this missense variant has a deleterious effect on protein structure/function; Has not been previously published as pathogenic or benign to our knowledge; Occurs in the triple helical domain at the X position in the canonical Gly-X-Y repeat; although this variant may have an effect on normal protein folding and function, missense substitution at the X position is not a common mechanism of disease (Symoens et al., 2012; HGMD); This variant is associated with the following publications: (PMID: 22696272)

ARUP Laboratories, Molecular Genetics and Genomics, ARUP Laboratories
Classification: Uncertain significance. Last evaluated: 2022-01-28. Review status: criteria provided, single submitter. Criteria: ARUP Molecular Germline Variant Investigation Process 2021. Collection method: clinical testing. Allele origin: germline.
Comment: The COL5A1 c.2983C>T; p.Pro995Ser variant (rs187022757), to our knowledge, is not reported in the medical literature or gene specific databases. This variant is only observed on five alleles in the Genome Aggregation Database, indicating it is not a common polymorphism. The proline at codon 995 is highly conserved, and computational analyses are uncertain whether this variant is neutral or deleterious (REVEL: 0.367). Due to limited information, the clinical significance of this variant is uncertain at this time.